The following is an entry in ClinVar:

NM_000169.3(GLA):c.773G>T (p.Gly258Val)

Genes: GLA (galactosidase alpha; minus strand), RPL36A-HNRNPH2 (RPL36A-HNRNPH2 readthrough; plus strand). Cytogenetic location: Xq22.1.
Variant type: single nucleotide variant.
Coding change: c.773G>T on transcript NM_000169.3 (MANE Select); coding-DNA position 773, G replaced by T.
Protein change: p.Gly258Val; replaces glycine 258 with valine.
Molecular consequence: missense variant. On other transcripts: non-coding transcript variant (3), intron variant (2).
Genome position (GRCh38, 1-based): chrX:101,398,813, C>A on the plus strand (G>T on the coding strand, the complement: GLA is on the minus strand). VCF-style: chrX-101398813-C-A. GRCh37 (hg19) VCF-style: chrX-100653801-C-A.
Other names: c.896G>T, p.Gly299Val (NM_001406747.1); c.773G>T, p.Gly258Val (NM_001406748.1); c.300+3356C>A (NM_001199973.2); c.177+6991C>A (NM_001199974.2); short protein forms G258V, G299V.
Identifiers: ClinVar variation 4087505 (VCV004087505.2).
Genomic context (GRCh38, chrX:101,398,813, plus strand): 5'-GGGTCTTGAACAAGGAGGGCTCAAGTTTTTACCATATCTGGGTCATTCCAACCCCCTGGT[C>A]CAGCAACATCAACAATTCTCTCCTGGTTAAAAGATGTCCAGTCCAAGATACTCTTTATAC-3'
Protein context (NP_000160.1, residues 248-268): FNQERIVDVA[Gly258Val]PGGWNDPDML

ClinVar aggregate classification (germline): Pathogenic (1 of 4 stars; one submission).

Conditions:
Fabry disease. Also called: ALPHA-GALACTOSIDASE A DEFICIENCY; ANDERSON-FABRY DISEASE; CERAMIDE TRIHEXOSIDASE DEFICIENCY; GLA DEFICIENCY; HEREDITARY DYSTOPIC LIPIDOSIS; Angiokeratoma corporis diffusum. Identifiers: Orphanet 324, MedGen C0002986, MONDO:0010526, OMIM 301500, HP:0001071. Disease mechanism: Fabry disease is due to inactivating mutations in the X-linked GLA gene resulting in deficiency of the enzyme Alpha Galactosidase-A., loss of function.

Submission:

Genomenon, Inc
Classification: Pathogenic for Fabry disease. Last evaluated: 2026-09-08. Review status: criteria provided, single submitter. Criteria: Genomenon Sequence Variant Interpretation Standards - Updated. Collection method: curation. Allele origin: germline. Affected: yes.
Comment: GLA p.Gly258Val (c.773G>T) is a missense variant that changes the amino acid at codon 258 from Glycine to Valine. This variant has been observed in at least one proband with clinical features consistent with Fabry disease (PMID:18205205;39609713;38410281;30261035). The variant was found to segregate with disease in at least one affected family (PMID:18205205). At least one functional study has demonstrated a substantial alteration in protein function relative to the wild-type (PMID:18205205). It is absent or not present at a significant frequency in gnomAD. In silico models predict that this variant is possibly or probably damaging. In conclusion, we classify GLA p.Gly258Val (c.773G>T) as a pathogenic variant.

Literature cited by the submitters: PubMed 18205205; PubMed 39609713; PubMed 38410281; PubMed 30261035.